The following is an entry in ClinVar:

ClinVar aggregate classification (germline): Pathogenic (3 of 4 stars; one submission).

Conditions:
Breast-ovarian cancer, familial, susceptibility to, 2 (BROVCA2). Also called: BRCA2 Hereditary Breast and Ovarian Cancer. Identifiers: Orphanet 145, MedGen C2675520, MONDO:0012933, OMIM 612555. Disease mechanism: loss of function.

Submission:

Evidence-based Network for the Interpretation of Germline Mutant Alleles (ENIGMA)
Classification: Pathogenic for Breast-ovarian cancer, familial, susceptibility to, 2. Last evaluated: 2017-12-15. Review status: reviewed by expert panel. Criteria: ENIGMA BRCA1/2 Classification Criteria (2017-06-29). Collection method: curation. Allele origin: germline. Study: ENIGMA.
Comment: Variant allele predicted to encode a truncated non-functional protein.

NM_000059.4(BRCA2):c.1188_1189insTTAT (p.Gln397fs)

Gene: BRCA2 (BRCA2 DNA repair associated; plus strand). Cytogenetic location: 13q13.1.
Variant type: Insertion.
Coding change: c.1188_1189insTTAT on transcript NM_000059.4 (MANE Select); coding-DNA positions 1188 to 1189, TTAT inserted.
Protein change: p.Gln397fs; shifts the reading frame from glutamine 397.
Molecular consequence: frameshift variant.
Genome position: GRCh38 VCF-style: chr13-32332665-C-CTTTA. GRCh37 (hg19) VCF-style: chr13-32906802-C-CTTTA.
Other names: short protein forms Q397fs.
Identifiers: ClinVar variation 548423 (VCV000548423.1), dbSNP rs1555281766, ClinGen allele CA658823682.